The following is an entry in ClinVar:

NM_003823.4(TNFRSF6B):c.55C>T (p.Pro19Ser)

Genes: RTEL1-TNFRSF6B (RTEL1-TNFRSF6B readthrough (NMD candidate); plus strand), TNFRSF6B (TNF receptor superfamily member 6b; plus strand). Cytogenetic location: 20q13.33.
Variant type: single nucleotide variant.
Coding change: c.55C>T on transcript NM_003823.4 (MANE Select); coding-DNA position 55, C replaced by T.
Protein change: p.Pro19Ser; replaces proline 19 with serine.
Molecular consequence: missense variant. On other transcripts: non-coding transcript variant (1).
Genome position (GRCh38, 1-based): chr20:63,696,822, C>T. VCF-style: chr20-63696822-C-T. GRCh37 (hg19) VCF-style: chr20-62328175-C-T.
Other names: short protein forms P19S.
Identifiers: ClinVar variation 2995606 (VCV002995606.3), dbSNP rs750734718, ClinGen allele CA9966293.

ClinVar aggregate classification (germline): Uncertain significance (1 of 4 stars; one submission).

Allele frequency attached by ClinVar (database versions not stated): ExAC 0.00002.

Submission:

Labcorp Genetics (formerly Invitae), Labcorp
Classification: Uncertain significance. Last evaluated: 2024-05-02. Review status: criteria provided, single submitter. Criteria: Invitae Variant Classification Sherloc (09022015). Collection method: clinical testing. Allele origin: germline.
Comment: This sequence change replaces proline, which is neutral and non-polar, with serine, which is neutral and polar, at codon 19 of the TNFRSF6B protein (p.Pro19Ser). This variant is present in population databases (rs750734718, gnomAD 0.003%). This variant has not been reported in the literature in individuals affected with TNFRSF6B-related conditions. Algorithms developed to predict the effect of missense changes on protein structure and function output the following: SIFT: "Not Available"; PolyPhen-2: "Not Available"; Align-GVGD: "Not Available". The serine amino acid residue is found in multiple mammalian species, which suggests that this missense change does not adversely affect protein function. In summary, the available evidence is currently insufficient to determine the role of this variant in disease. Therefore, it has been classified as a Variant of Uncertain Significance.